The following is an entry in ClinVar:

NM_004817.4(TJP2):c.639A>C (p.Arg213=)

Gene: TJP2 (tight junction protein 2; plus strand). Cytogenetic location: 9q21.11.
Variant type: single nucleotide variant.
Coding change: c.639A>C on transcript NM_004817.4 (MANE Select); coding-DNA position 639, A replaced by C.
Protein change: p.Arg213=; no amino-acid change (arginine 213 retained).
Molecular consequence: synonymous variant.
Genome position (GRCh38, 1-based): chr9:69,221,183, A>C. VCF-style: chr9-69221183-A-C. GRCh37 (hg19) VCF-style: chr9-71836099-A-C.
Other names: c.570A>C, p.Arg190= (NM_001170414.2, NM_001369870.1, NM_001369871.1); c.651A>C, p.Arg217= (NM_001170415.1, NM_001369874.1, NM_001369875.1); c.732A>C, p.Arg244= (NM_001170416.2); c.639A>C, p.Arg213= (NM_001369872.1, NM_001369873.1, NM_201629.3).
Identifiers: ClinVar variation 3033943 (VCV003033943.2), dbSNP rs1828807500, ClinGen allele CA465495003.

ClinVar aggregate classification (germline): Likely benign (0 of 4 stars; one submission).

Conditions:
TJP2-related disorder. Also called: TJP2-related condition.

Submission:

PreventionGenetics, part of Exact Sciences
Classification: Likely benign for TJP2-related condition. Last evaluated: 2019-06-20. Review status: no assertion criteria provided. Collection method: clinical testing. Allele origin: germline.
Comment: This variant is classified as likely benign based on ACMG/AMP sequence variant interpretation guidelines (Richards et al. 2015 PMID: 25741868, with internal and published modifications).